The following is an entry in ClinVar:

NM_000518.5(HBB):c.43C>G (p.Leu15Val)

Genes: HBB (hemoglobin subunit beta; minus strand), LOC106099062 (HBB recombination region; plus strand), LOC107133510 (origin of replication at HBB; plus strand). Cytogenetic location: 11p15.4.
Variant type: single nucleotide variant.
Coding change: c.43C>G on transcript NM_000518.5 (MANE Select); coding-DNA position 43, C replaced by G.
Protein change: p.Leu15Val; replaces leucine 15 with valine.
Molecular consequence: missense variant.
Genome position (GRCh38, 1-based): chr11:5,226,979, G>C on the plus strand (C>G on the coding strand, the complement: HBB is on the minus strand). VCF-style: chr11-5226979-G-C. GRCh37 (hg19) VCF-style: chr11-5248209-G-C.
Other names: short protein forms L15V.
Identifiers: ClinVar variation 3336460 (VCV003336460.2).
Genomic context (GRCh38, chr11:5,226,979, plus strand): 5'-TTGATACCAACCTGCCCAGGGCCTCACCACCAACTTCATCCACGTTCACCTTGCCCCACA[G>C]GGCAGTAACGGCAGACTTCTCCTCAGGAGTCAGATGCACCATGGTGTCTGTTTGAGGTTG-3'
Protein context (NP_000509.1, residues 5-25): TPEEKSAVTA[Leu15Val]WGKVNVDEVG

ClinVar aggregate classification (germline): Uncertain significance. Review status: criteria provided, single submitter (1 of 4 stars). 2 submissions from 2 submitters: Uncertain significance (1). 1 of the submissions does not count toward it. Last evaluated 2024-05-21.

Conditions:
beta Thalassemia (BTHAL). Also called: Cooley's anemia; Erythroblastic anemia; Mediterranean anemia. Identifiers: Orphanet 848, MedGen C0005283, MONDO:0019402. Disease mechanism: loss of function.

Submissions (2):

Women's Health and Genetics/Laboratory Corporation of America, LabCorp
Classification: Uncertain significance. Last evaluated: 2024-05-21. Review status: criteria provided, single submitter. Criteria: LabCorp Variant Classification Summary - May 2015. Collection method: clinical testing. Allele origin: germline.
Comment: Variant summary: HBB c.43C>G (p.Leu15Val) results in a conservative amino acid change located in the globin domain (IPR000971) of the encoded protein sequence. Five of five in-silico tools predict a benign effect of the variant on protein function. The variant was absent in 251210 control chromosomes. The available data on variant occurrences in the general population are insufficient to allow any conclusion about variant significance. To our knowledge, no occurrence of c.43C>G in individuals affected with Beta Thalassemia and no experimental evidence demonstrating its impact on protein function have been reported. No submitters have cited clinical-significance assessments for this variant to ClinVar. Based on the evidence outlined above, the variant was classified as uncertain significance.

Natera, Inc.
Classification: Uncertain significance for Beta thalassemia. Last evaluated: 2025-03-13. Review status: no assertion criteria provided. Collection method: clinical testing. Allele origin: germline. Not counted in ClinVar's aggregate classification.